The following is an entry in ClinVar:

NM_031844.3(HNRNPU):c.1316T>C (p.Leu439Pro)

Gene: HNRNPU (heterogeneous nuclear ribonucleoprotein U; minus strand). Cytogenetic location: 1q44.
Variant type: single nucleotide variant.
Coding change: c.1316T>C on transcript NM_031844.3 (MANE Select); coding-DNA position 1316, T replaced by C.
Protein change: p.Leu439Pro; replaces leucine 439 with proline.
Molecular consequence: missense variant.
Genome position (GRCh38, 1-based): chr1:244,858,189, A>G on the plus strand (T>C on the coding strand, the complement: HNRNPU is on the minus strand). VCF-style: chr1-244858189-A-G. GRCh37 (hg19) VCF-style: chr1-245021491-A-G.
Other names: c.1259T>C, p.Leu420Pro (NM_004501.3); short protein forms L439P, L420P.
Identifiers: ClinVar variation 2056131 (VCV002056131.4), dbSNP rs1680730373, ClinGen allele CA345491898.
Genomic context (GRCh38, chr1:244,858,189, plus strand): 5'-AAATTAAATTCAACTGCACAGTTGTGGCAGAGAACATGCGGGAACAGTGGCCGTCCAGCA[A>G]GAACTTCCTTACTGATTTTGAAGGCAACGCCAAGATCTTGTCCATTCTTAGCATACGAGA-3'
Protein context (NP_114032.2, residues 429-449): GVAFKISKEV[Leu439Pro]AGRPLFPHVL

ClinVar aggregate classification (germline): Uncertain significance (1 of 4 stars; one submission).

Conditions:
Developmental and epileptic encephalopathy, 54. Also called: HNRNPU-Related Neurodevelopmental Disorder; Epileptic encephalopathy, early infantile, 54. Identifiers: MedGen C4479319, MONDO:0033363, OMIM 617391.

Allele frequency attached by ClinVar (database versions not stated): gnomAD 0.00001.
gnomAD v4.1: 1 of 1,614,078 alleles (0.000062%); highest among the groups gnomAD compares: African/African-American, 0.0013%; no homozygotes.

Submission:

Labcorp Genetics (formerly Invitae), Labcorp
Classification: Uncertain significance for Developmental and epileptic encephalopathy, 54. Last evaluated: 2022-03-17. Review status: criteria provided, single submitter. Criteria: Invitae Variant Classification Sherloc (09022015). Collection method: clinical testing. Allele origin: germline.
Comment: This sequence change replaces leucine, which is neutral and non-polar, with proline, which is neutral and non-polar, at codon 439 of the HNRNPU protein (p.Leu439Pro). This variant is not present in population databases (gnomAD no frequency). This variant has not been reported in the literature in individuals affected with HNRNPU-related conditions. Algorithms developed to predict the effect of missense changes on protein structure and function are either unavailable or do not agree on the potential impact of this missense change (SIFT: "Deleterious"; PolyPhen-2: "Not Available"; Align-GVGD: "Class C15"). In summary, the available evidence is currently insufficient to determine the role of this variant in disease. Therefore, it has been classified as a Variant of Uncertain Significance.